The following is an entry in ClinVar:

NM_001040142.2(SCN2A):c.679A>C (p.Thr227Pro)

Gene: SCN2A (sodium voltage-gated channel alpha subunit 2; plus strand). Cytogenetic location: 2q24.3.
Variant type: single nucleotide variant.
Coding change: c.679A>C on transcript NM_001040142.2 (MANE Select); coding-DNA position 679, A replaced by C.
Protein change: p.Thr227Pro; replaces threonine 227 with proline.
Molecular consequence: missense variant. On other transcripts: intron variant (2).
Genome position (GRCh38, 1-based): chr2:165,309,425, A>C. VCF-style: chr2-165309425-A-C. GRCh37 (hg19) VCF-style: chr2-166165935-A-C.
Other names: c.679A>C, p.Thr227Pro (NM_001371247.1, NM_021007.3); c.697+169A>C (NM_001040143.2, NM_001371246.1); short protein forms T227P.
Identifiers: ClinVar variation 1450748 (VCV001450748.8), dbSNP rs1559352572, ClinGen allele CA349017567.
Genomic context (GRCh38, chr2:165,309,425, plus strand): 5'-TTTGTGGACCTGGGCAATGTCTCAGCGTTGAGAACATTCAGAGTTCTCCGAGCATTGAAA[A>C]CAATTTCAGTCATTCCAGGTGAGAGCTAGGTTAAACACCGAGGCTGACTTTAGCTACAGT-3'
Protein context (NP_001035232.1, residues 217-237): RTFRVLRALK[Thr227Pro]ISVIPGLKTI

ClinVar aggregate classification (germline): Uncertain significance (1 of 4 stars; one submission).

Conditions:
Developmental and epileptic encephalopathy, 11 (DEE11). Also called: Early infantile epileptic encephalopathy 11. Identifiers: Orphanet 1934, MedGen C3150987, MONDO:0013388, OMIM 613721.
Seizures, benign familial infantile, 3 (BFIS3). Also called: CONVULSIONS, BENIGN FAMILIAL INFANTILE, 3; Familial neonatal seizures. Identifiers: Orphanet 140927, Orphanet 306, MedGen C1843140, MONDO:0011904, OMIM 607745.

Submission:

Labcorp Genetics (formerly Invitae), Labcorp
Classification: Uncertain significance for Seizures, benign familial infantile, 3; Developmental and epileptic encephalopathy, 11. Last evaluated: 2021-05-05. Review status: criteria provided, single submitter. Criteria: Invitae Variant Classification Sherloc (09022015). Collection method: clinical testing. Allele origin: germline.
Comment: In summary, the available evidence is currently insufficient to determine the role of this variant in disease. Therefore, it has been classified as a Variant of Uncertain Significance. Algorithms developed to predict the effect of missense changes on protein structure and function are either unavailable or do not agree on the potential impact of this missense change (SIFT: "Deleterious"; PolyPhen-2: "Probably Damaging"; Align-GVGD: "Class C0"). This variant has not been reported in the literature in individuals with SCN2A-related conditions. This variant is not present in population databases (ExAC no frequency). This sequence change replaces threonine with proline at codon 227 of the SCN2A protein (p.Thr227Pro). The threonine residue is highly conserved and there is a small physicochemical difference between threonine and proline.